The following is an entry in ClinVar:

ClinVar aggregate classification (germline): Conflicting classifications of pathogenicity. Review status: criteria provided, conflicting classifications (1 of 4 stars). 7 submissions from 7 submitters: Uncertain significance (2); Benign (1); Likely benign (4). Last evaluated 2026-01-30.

Conditions:
Hereditary cancer-predisposing syndrome. Also called: Tumor predisposition; Neoplastic Syndromes, Hereditary; Hereditary neoplastic syndrome; Hereditary Cancer Syndrome. Identifiers: Orphanet 140162, MedGen C0027672, MeSH D009386, MONDO:0015356.
Familial adenomatous polyposis 1 (FAP1). Also called: FAMILIAL ADENOMATOUS POLYPOSIS 1, ATTENUATED; POLYPOSIS, ADENOMATOUS INTESTINAL. Identifiers: MedGen C2713442, MONDO:0021056, OMIM 175100. Disease mechanism: loss of function.
Classic or attenuated familial adenomatous polyposis. Identifiers: MedGen CN372698, MONDO:0021057.

Allele frequency attached by ClinVar (database versions not stated): gnomAD exomes below 0.00001.
gnomAD v4.1: 4 of 1,614,106 alleles (0.00025%); highest among the groups gnomAD compares: Non-Finnish European, 0.00025%; no homozygotes.

Submissions (7):

Labcorp Genetics (formerly Invitae), Labcorp
Classification: Likely benign for Familial adenomatous polyposis 1. Last evaluated: 2026-01-30. Review status: criteria provided, single submitter. Criteria: Invitae Variant Classification Sherloc (09022015). Collection method: clinical testing. Allele origin: germline.

Quest Diagnostics Nichols Institute San Juan Capistrano
Classification: Uncertain significance. Last evaluated: 2025-06-09. Review status: criteria provided, single submitter. Criteria: Quest Diagnostics criteria. Collection method: clinical testing. Allele origin: unknown.
Comment: The APC c.2145C>T (p.His715=) synonymous variant has not been reported in individuals with APC-related conditions in the published literature. The frequency of this variant in the general population (Genome Aggregation Database) is uninformative in the assessment of its pathogenicity. Analysis of this variant using software algorithms for the prediction of the effect of nucleotide changes on splicing yielded predictions that this variant does not affect APC mRNA splicing. Based on the available information, we are unable to determine the clinical significance of this variant.

Myriad Genetics, Inc.
Classification: Benign for Familial adenomatous polyposis 1. Last evaluated: 2024-03-08. Review status: criteria provided, single submitter. Criteria: Myriad Autosomal Dominant, Autosomal Recessive and X-Linked Classification Criteria (2023). Collection method: clinical testing. Allele origin: unknown.
Comment: This variant is considered benign. This variant is a silent/synonymous amino acid change and it is not expected to impact splicing.

GeneDx
Classification: Uncertain significance. Last evaluated: 2023-12-28. Review status: criteria provided, single submitter. Criteria: GeneDx Variant Classification Process June 2021. Collection method: clinical testing. Allele origin: germline. Affected: yes.
Comment: Not observed at significant frequency in large population cohorts (gnomAD); In silico analysis supports that this variant does not alter splicing; Has not been previously published as pathogenic or benign to our knowledge

All of Us Research Program, National Institutes of Health
Classification: Likely benign for Classic or attenuated familial adenomatous polyposis. Last evaluated: 2023-12-18. Review status: criteria provided, single submitter. Criteria: ACMG Guidelines, 2015. Collection method: clinical testing. Allele origin: germline. Inheritance: Autosomal dominant inheritance. Observed: 3 variant alleles, 3 heterozygotes.
Comment: This study involves interpretation of variants in research participants for the purpose of population health screening. Participant phenotype was not available at the time of variant classification. Additional details can be found in publication PMID: 35346344, PMCID: PMC8962531

Color Diagnostics, LLC DBA Color Health
Classification: Likely benign for Hereditary cancer-predisposing syndrome. Last evaluated: 2020-04-27. Review status: criteria provided, single submitter. Criteria: ACMG Guidelines, 2015. Collection method: clinical testing. Allele origin: germline.

Ambry Genetics
Classification: Likely benign for Hereditary cancer-predisposing syndrome. Last evaluated: 2019-09-11. Review status: criteria provided, single submitter. Criteria: Ambry Variant Classification Scheme 2023. Collection method: clinical testing. Allele origin: germline.

NM_000038.6(APC):c.2145C>T (p.His715=)

Gene: APC (APC regulator of Wnt signaling pathway; plus strand). Cytogenetic location: 5q22.2.
Variant type: single nucleotide variant.
Coding change: c.2145C>T on transcript NM_000038.6 (MANE Select); coding-DNA position 2145, C replaced by T.
Protein change: p.His715=; no amino-acid change (histidine 715 retained).
Molecular consequence: synonymous variant.
Genome position (GRCh38, 1-based): chr5:112,837,739, C>T. VCF-style: chr5-112837739-C-T. GRCh37 (hg19) VCF-style: chr5-112173436-C-T.
Other names: c.2145C>T, p.His715= (NM_001127510.3, NM_001354895.2); c.2091C>T, p.His697= (NM_001127511.3); c.2199C>T, p.His733= (NM_001354896.2); c.2175C>T, p.His725= (NM_001354897.2); c.2070C>T, p.His690= (NM_001354898.2); c.2061C>T, p.His687= (NM_001354899.2); c.2022C>T, p.His674= (NM_001354900.2); c.1968C>T, p.His656= (NM_001354901.2); and 5 more.
Identifiers: ClinVar variation 416731 (VCV000416731.17), dbSNP rs1060504877, ClinGen allele CA16611589.